The following is an entry in ClinVar:

NM_001375524.1(TRRAP):c.1122C>T (p.Leu374=)

Gene: TRRAP (transformation/transcription domain associated protein; plus strand). Cytogenetic location: 7q22.1.
Variant type: single nucleotide variant.
Coding change: c.1122C>T on transcript NM_001375524.1 (MANE Select); coding-DNA position 1122, C replaced by T.
Protein change: p.Leu374=; no amino-acid change (leucine 374 retained).
Molecular consequence: synonymous variant.
Genome position (GRCh38, 1-based): chr7:98,908,734, C>T. VCF-style: chr7-98908734-C-T. GRCh37 (hg19) VCF-style: chr7-98506357-C-T.
Other names: c.1122C>T, p.Leu374= (NM_001244580.2, NM_003496.4).
Identifiers: ClinVar variation 2969144 (VCV002969144.14), dbSNP rs34217696, ClinGen allele CA4359451.

ClinVar aggregate classification (germline): Likely benign. Review status: criteria provided, multiple submitters, no conflicts (2 of 4 stars). 3 submissions from 3 submitters: Likely benign (3). Last evaluated 2026-01-21.

Allele frequency attached by ClinVar (database versions not stated): ExAC 0.00005; gnomAD exomes 0.00008; gnomAD 0.00009; TOPMed 0.00011.
gnomAD v4.1: 122 of 1,549,128 alleles (0.0079%); highest among the groups gnomAD compares: African/African-American, 0.021%; no homozygotes.

Submissions (3):

Labcorp Genetics (formerly Invitae), Labcorp
Classification: Likely benign. Last evaluated: 2026-01-21. Review status: criteria provided, single submitter. Criteria: Invitae Variant Classification Sherloc (09022015). Collection method: clinical testing. Allele origin: germline.

CeGaT Center for Human Genetics Tuebingen
Classification: Likely benign. Last evaluated: 2025-05-01. Review status: criteria provided, single submitter. Criteria: CeGaT Center For Human Genetics Tuebingen Variant Classification Criteria Version 2. Collection method: clinical testing. Allele origin: germline. Affected: yes. Observed: 1 variant allele.
Comment: TRRAP: BP4, BP7

Blueprint Genetics
Classification: Likely benign. Last evaluated: 2024-04-23. Review status: criteria provided, single submitter. Criteria: ACMG Guidelines, 2015. Collection method: clinical testing. Allele origin: germline.